The following is an entry in ClinVar:

ClinVar aggregate classification (germline): Benign/Likely benign. Review status: criteria provided, multiple submitters, no conflicts (2 of 4 stars). 2 submissions from 2 submitters: Benign (1); Likely benign (1). Last evaluated 2026-09-18.

Conditions:
Colorectal cancer, hereditary nonpolyposis, type 7. Identifiers: Orphanet 144, MedGen C1858380, MONDO:0013725, OMIM 614385.

Allele frequency attached by ClinVar (database versions not stated): gnomAD exomes below 0.00001; TOPMed 0.00001.
gnomAD v4.1: 1 of 1,614,180 alleles (0.000062%); highest among the groups gnomAD compares: African/African-American, 0.0013%; no homozygotes.

Submissions (2):

Myriad Genetics, Inc.
Classification: Benign for Colorectal cancer, hereditary nonpolyposis, type 7. Last evaluated: 2026-09-18. Review status: criteria provided, single submitter. Criteria: Myriad Autosomal Dominant, Autosomal Recessive and X-Linked Classification Criteria (2023). Collection method: clinical testing. Allele origin: unknown.
Comment: This variant is considered benign. This variant is a silent/synonymous amino acid change and it is not expected to impact splicing.

Ambry Genetics
Classification: Likely benign. Last evaluated: 2019-12-11. Review status: criteria provided, single submitter. Criteria: Ambry Variant Classification Scheme 2023. Collection method: clinical testing. Allele origin: germline.

NM_001040108.2(MLH3):c.3102T>C (p.Thr1034=)

Gene: MLH3 (mutL homolog 3; minus strand). Cytogenetic location: 14q24.3.
Variant type: single nucleotide variant.
Coding change: c.3102T>C on transcript NM_001040108.2 (MANE Select); coding-DNA position 3102, T replaced by C.
Protein change: p.Thr1034=; no amino-acid change (threonine 1034 retained).
Molecular consequence: synonymous variant.
Genome position (GRCh38, 1-based): chr14:75,046,554, A>G on the plus strand (T>C on the coding strand, the complement: MLH3 is on the minus strand). VCF-style: chr14-75046554-A-G. GRCh37 (hg19) VCF-style: chr14-75513257-A-G.
Other names: c.3102T>C, p.Thr1034= (NM_014381.3).
Identifiers: ClinVar variation 1727661 (VCV001727661.3), dbSNP rs1032607766, ClinGen allele CA263647793.
Genomic context (GRCh38, chr14:75,046,554, plus strand): 5'-TCTTCCCAGGGCTACATCGAAATGCCGCTGCCAATCTGAACAACACGTGTTTGACTCTTC[A>G]GTTTCAGAACAAGCTCTTGCTTTAGATTCCTCACTCTGAAAACAAATTCCATTTTGGTCA-3'
Protein context (NP_001035197.1, residues 1024-1044): EESKARACSE[Thr1034=]EESNTCCSDW